The following is an entry in ClinVar:

ClinVar aggregate classification (germline): Uncertain significance (1 of 4 stars; one submission).

Conditions:
Hereditary cancer-predisposing syndrome. Also called: Neoplastic Syndromes, Hereditary; Hereditary Cancer Syndrome; Hereditary neoplastic syndrome; Tumor predisposition. Identifiers: Orphanet 140162, MedGen C0027672, MeSH D009386, MONDO:0015356.

Submission:

Ambry Genetics
Classification: Uncertain significance for Hereditary cancer-predisposing syndrome. Last evaluated: 2023-05-14. Review status: criteria provided, single submitter. Criteria: Ambry Variant Classification Scheme 2023. Collection method: clinical testing. Allele origin: germline.
Comment: The p.R367K variant (also known as c.1100G>A), located in coding exon 9 of the POT1 gene, results from a G to A substitution at nucleotide position 1100. The arginine at codon 367 is replaced by lysine, an amino acid with highly similar properties. This amino acid position is conserved. In addition, this alteration is predicted to be tolerated by in silico analysis. Since supporting evidence is limited at this time, the clinical significance of this alteration remains unclear.

NM_015450.3(POT1):c.1100G>A (p.Arg367Lys)

Gene: POT1 (protection of telomeres 1; minus strand). Cytogenetic location: 7q31.33.
Variant type: single nucleotide variant.
Coding change: c.1100G>A on transcript NM_015450.3 (MANE Select); coding-DNA position 1100, G replaced by A.
Protein change: p.Arg367Lys; replaces arginine 367 with lysine.
Molecular consequence: missense variant. On other transcripts: non-coding transcript variant (3).
Genome position (GRCh38, 1-based): chr7:124,842,870, C>T on the plus strand (G>A on the coding strand, the complement: POT1 is on the minus strand). VCF-style: chr7-124842870-C-T. GRCh37 (hg19) VCF-style: chr7-124482924-C-T.
Other names: c.707G>A, p.Arg236Lys (NM_001042594.2); short protein forms R236K, R367K.
Identifiers: ClinVar variation 2565259 (VCV002565259.2), dbSNP rs2116467708, ClinGen allele CA369068329.
Genomic context (GRCh38, chr7:124,842,870, plus strand): 5'-AAATGACATTTAGGGCAATGAAGTTTAACAGACTGAAATAGTCTTCTGGGCTTATATGAC[C>T]TCAATTTTGCTCGGATGCGGTATTGTTGAGGAGCTTTTTGTTTCAAAATGGCACATAGTG-3'
Protein context (NP_056265.2, residues 357-377): PQQYRIRAKL[Arg367Lys]SYKPRRLFQS